The following is an entry in ClinVar:

ClinVar aggregate classification (germline): Uncertain significance (1 of 4 stars; one submission).

Submission:

Labcorp Genetics (formerly Invitae), Labcorp
Classification: Uncertain significance. Last evaluated: 2022-02-06. Review status: criteria provided, single submitter. Criteria: Invitae Variant Classification Sherloc (09022015). Collection method: clinical testing. Allele origin: germline.
Comment: In summary, the available evidence is currently insufficient to determine the role of this variant in disease. Therefore, it has been classified as a Variant of Uncertain Significance. Advanced modeling of protein sequence and biophysical properties (such as structural, functional, and spatial information, amino acid conservation, physicochemical variation, residue mobility, and thermodynamic stability) performed at Invitae indicates that this missense variant is expected to disrupt COQ8A protein function. This variant has not been reported in the literature in individuals affected with COQ8A-related conditions. This variant is not present in population databases (gnomAD no frequency). This sequence change replaces proline, which is neutral and non-polar, with serine, which is neutral and polar, at codon 291 of the COQ8A protein (p.Pro291Ser).

NM_020247.5(COQ8A):c.871C>T (p.Pro291Ser)

Gene: COQ8A (coenzyme Q8A; plus strand). Cytogenetic location: 1q42.13.
Variant type: single nucleotide variant.
Coding change: c.871C>T on transcript NM_020247.5 (MANE Select); coding-DNA position 871, C replaced by T.
Protein change: p.Pro291Ser; replaces proline 291 with serine.
Molecular consequence: missense variant.
Genome position (GRCh38, 1-based): chr1:226,982,695, C>T. VCF-style: chr1-226982695-C-T. GRCh37 (hg19) VCF-style: chr1-227170396-C-T.
Other names: short protein forms P291S.
Identifiers: ClinVar variation 2086773 (VCV002086773.3), dbSNP rs2528365918, ClinGen allele CA345052274.